The following is an entry in ClinVar:

NM_001378418.1(TCF20):c.3853C>T (p.Leu1285Phe)

Gene: TCF20 (transcription factor 20; minus strand). Cytogenetic location: 22q13.2.
Variant type: single nucleotide variant.
Coding change: c.3853C>T on transcript NM_001378418.1 (MANE Select); coding-DNA position 3853, C replaced by T.
Protein change: p.Leu1285Phe; replaces leucine 1285 with phenylalanine.
Molecular consequence: missense variant.
Genome position (GRCh38, 1-based): chr22:42,211,453, G>A on the plus strand (C>T on the coding strand, the complement: TCF20 is on the minus strand). VCF-style: chr22-42211453-G-A. GRCh37 (hg19) VCF-style: chr22-42607459-G-A.
Other names: c.3853C>T, p.Leu1285Phe (NM_005650.4, NM_181492.3); short protein forms L1285F.
Identifiers: ClinVar variation 2436999 (VCV002436999.6), dbSNP rs765753452, ClinGen allele CA10266767.
Genomic context (GRCh38, chr22:42,211,453, plus strand): 5'-TGTGAGAAAGATGGGCATAGGAATTGAATGCTTTATCAGCGCCTTCTTTTGATGAGTGAA[G>A]GAGGCGACCTTTATCTTCAGTGCTACTGTTCTTTACATCTTGTGACTGTCTCTTACTGGG-3'
Protein context (NP_001365347.1, residues 1275-1295): NSSTEDKGRL[Leu1285Phe]HSSKEGADKA

ClinVar aggregate classification (germline): Uncertain significance. Review status: criteria provided, multiple submitters, no conflicts (2 of 4 stars). 2 submissions from 2 submitters: Uncertain significance (2). Last evaluated 2024-10-21.

Conditions:
Developmental delay with variable intellectual impairment and behavioral abnormalities. Identifiers: MedGen C5193092, MONDO:0032745, OMIM 618430.

Allele frequency attached by ClinVar (database versions not stated): gnomAD 0.00001; gnomAD exomes 0.00001; TOPMed 0.00001; ExAC 0.00004.
gnomAD v4.1: 21 of 1,614,054 alleles (0.0013%); highest among the groups gnomAD compares: East Asian, 0.045%; no homozygotes.

Submissions (2):

Labcorp Genetics (formerly Invitae), Labcorp
Classification: Uncertain significance. Last evaluated: 2024-10-21. Review status: criteria provided, single submitter. Criteria: Invitae Variant Classification Sherloc (09022015). Collection method: clinical testing. Allele origin: germline.
Comment: This sequence change replaces leucine, which is neutral and non-polar, with phenylalanine, which is neutral and non-polar, at codon 1285 of the TCF20 protein (p.Leu1285Phe). This variant is present in population databases (rs765753452, gnomAD 0.04%). This variant has not been reported in the literature in individuals affected with TCF20-related conditions. ClinVar contains an entry for this variant (Variation ID: 2436999). An algorithm developed to predict the effect of missense changes on protein structure and function (PolyPhen-2) suggests that this variant is likely to be tolerated. In summary, the available evidence is currently insufficient to determine the role of this variant in disease. Therefore, it has been classified as a Variant of Uncertain Significance.

Revvity Omics, Revvity
Classification: Uncertain significance for Developmental delay with variable intellectual impairment and behavioral abnormalities. Last evaluated: 2020-03-16. Review status: criteria provided, single submitter. Criteria: ACMG Guidelines, 2015. Collection method: clinical testing. Allele origin: germline.